The following is an entry in ClinVar:

ClinVar aggregate classification (germline): Uncertain significance. Review status: criteria provided, multiple submitters, no conflicts (2 of 4 stars). 7 submissions from 7 submitters: Uncertain significance (5). 2 of the submissions do not count toward it. Last evaluated 2023-11-04.

Conditions:
Aplastic anemia. Identifiers: Orphanet 182040, Orphanet 88, MedGen C0002874, MONDO:0015909, OMIM 609135, HP:0001915.
Microcephaly, normal intelligence and immunodeficiency (NBS). Also called: IMMUNODEFICIENCY, MICROCEPHALY, AND CHROMOSOMAL INSTABILITY; SEEMANOVA SYNDROME II; Immunodeficiency, microcephaly with normal intelligence; Ataxia telangiectasia variant V1; Nijmegen breakage syndrome; Microcephaly with normal intelligence immunodeficiency and lymphoreticular malignancies. Identifiers: Orphanet 647, MedGen C0398791, MONDO:0009623, OMIM 251260.
Acute lymphoid leukemia (ALL). Also called: Leukemia, acute lymphoblastic, somatic; Lymphoblastic leukemia; Acute lymphoblastic leukemia; Acute lymphocytic leukemia. Identifiers: Orphanet 513, MedGen C0023449, MONDO:0004967, OMIM 613065, HP:0006721.
Hereditary cancer-predisposing syndrome. Also called: Hereditary Cancer Syndrome; Neoplastic Syndromes, Hereditary; Tumor predisposition; Hereditary neoplastic syndrome. Identifiers: Orphanet 140162, MedGen C0027672, MeSH D009386, MONDO:0015356.

gnomAD v4.1: 1 of 1,614,082 alleles (0.000062%); no homozygotes.

Submissions (7):

Labcorp Genetics (formerly Invitae), Labcorp
Classification: Uncertain significance for Microcephaly, normal intelligence and immunodeficiency. Last evaluated: 2023-11-04. Review status: criteria provided, single submitter. Criteria: Invitae Variant Classification Sherloc (09022015). Collection method: clinical testing. Allele origin: germline.
Comment: This sequence change replaces phenylalanine, which is neutral and non-polar, with serine, which is neutral and polar, at codon 87 of the NBN protein (p.Phe87Ser). This variant is not present in population databases (gnomAD no frequency). This missense change has been observed in individual(s) with breast cancer and/or colorectal cancer (PMID: 28135145, 34326862). ClinVar contains an entry for this variant (Variation ID: 187236). An algorithm developed to predict the effect of missense changes on protein structure and function (PolyPhen-2) suggests that this variant is likely to be tolerated. In summary, the available evidence is currently insufficient to determine the role of this variant in disease. Therefore, it has been classified as a Variant of Uncertain Significance.

Baylor Genetics
Classification: Uncertain significance for Aplastic anemia. Last evaluated: 2023-08-15. Review status: criteria provided, single submitter. Criteria: ACMG Guidelines, 2015. Collection method: clinical testing. Allele origin: unknown.

Ambry Genetics
Classification: Uncertain significance for Hereditary cancer-predisposing syndrome. Last evaluated: 2023-02-17. Review status: criteria provided, single submitter. Criteria: Ambry Variant Classification Scheme 2023. Collection method: clinical testing. Allele origin: germline.
Comment: The p.F87S variant (also known as c.260T>C), located in coding exon 3 of the NBN gene, results from a T to C substitution at nucleotide position 260. The phenylalanine at codon 87 is replaced by serine, an amino acid with highly dissimilar properties. This variant has been reported in an individual affected with colorectal cancer (Yurgelun MB et al. J Clin Oncol, 2017 Apr;35:1086-1095). This alteration was also identified in a cohort of patients clinically diagnosed as myofibrillar myopathies (MFM) spectrum (Potulska-Chromik A et al. J Clin Med, 2021 Feb;10:). In addition, this alteration was identified in a cohort of patients who were treated at Memorial Sloan Kettering Cancer Center (MSKCC) from January 2014 until August 2019 (Belhadj S et al. Clin Cancer Res, 2023 Jan;29:422-431). This amino acid position is poorly conserved in available vertebrate species. In addition, this alteration is predicted to be tolerated by in silico analysis. Since supporting evidence is limited at this time, the clinical significance of this alteration remains unclear.

Genome-Nilou Lab
Classification: Uncertain significance for Microcephaly, normal intelligence and immunodeficiency. Last evaluated: 2021-11-07. Review status: criteria provided, single submitter. Criteria: ACMG Guidelines, 2015. Collection method: clinical testing. Allele origin: germline. Affected: no.

Center for Genomics, Ann and Robert H. Lurie Children's Hospital of Chicago
Classification: Uncertain significance for Acute lymphoid leukemia; Aplastic anemia; Microcephaly, normal intelligence and immunodeficiency. Review status: criteria provided, single submitter. Criteria: ACMG Guidelines, 2015. Collection method: clinical testing. Allele origin: germline.
Comment: NBN NM_002485.4 exon 3 p.Phe87Ser (c.260T>C): This variant has been reported in the literature in 1 individual with colorectal cancer (Yurgelun 2017 PMID:28135145). This variant is not present in large control databases. This variant is present in ClinVar (Variation ID:187236). This variant amino acid Serine (Ser) is present in 5 species (Saker falcon, Peregrine falcon, Rock pigeon, Mallard duck, Coelcanth.) and is not well conserved among evolutionarily distant species; this suggests that this variant may not impact the protein. Additional computational prediction tools do not suggest an impact. In summary, data on this variant is insufficient for disease classification. Therefore, the clinical significance of this variant is uncertain.

Natera, Inc.
Classification: Uncertain significance for Nijmegen breakage syndrome. Last evaluated: 2020-12-23. Review status: no assertion criteria provided. Collection method: clinical testing. Allele origin: germline. Not counted in ClinVar's aggregate classification.

Counsyl
Classification: Uncertain significance for Microcephaly, normal intelligence and immunodeficiency. Last evaluated: 2018-03-13. Review status: no assertion criteria provided. Collection method: clinical testing. Allele origin: unknown. Not counted in ClinVar's aggregate classification.

Literature cited by the submitters: PubMed 28135145 (cited by Labcorp Genetics (formerly Invitae), Labcorp and Ambry Genetics); PubMed 34326862 (cited by Labcorp Genetics (formerly Invitae), Labcorp); PubMed 33652732 (cited by Ambry Genetics); PubMed 36346689 (cited by Ambry Genetics).

NM_002485.5(NBN):c.260T>C (p.Phe87Ser)

Gene: NBN (nibrin; minus strand). Cytogenetic location: 8q21.3.
Variant type: single nucleotide variant.
Coding change: c.260T>C on transcript NM_002485.5 (MANE Select); coding-DNA position 260, T replaced by C.
Protein change: p.Phe87Ser; replaces phenylalanine 87 with serine.
Molecular consequence: missense variant.
Genome position (GRCh38, 1-based): chr8:89,981,435, A>G on the plus strand (T>C on the coding strand, the complement: NBN is on the minus strand). VCF-style: chr8-89981435-A-G. GRCh37 (hg19) VCF-style: chr8-90993663-A-G.
Other names: c.14T>C, p.Phe5Ser (NM_001024688.3); short protein forms F87S, F5S.
Identifiers: ClinVar variation 187236 (VCV000187236.29), dbSNP rs786203573, ClinGen allele CA197121.
Genomic context (GRCh38, chr8:89,981,435, plus strand): 5'-CTGAATTTACTTCCAAACACTCCAAAAGTAATACCATCCCCCGACTTCAAAGTTCGGGAA[A>G]AGCCATTCTGCATTTTTTCCTCATTAACAAAGGTACCATACTTAGAATTATCTTTTAATG-3'
Protein context (NP_002476.2, residues 77-97): FVNEEKMQNG[Phe87Ser]SRTLKSGDGI